The following is an entry in ClinVar:

NM_001127464.1:c.1753G>A

Gene: ZNF469 (zinc finger protein 469; plus strand).
Variant type: single nucleotide variant.
Identifiers: ClinVar variation 4824447 (VCV004824447.1).

ClinVar aggregate classification (germline): Uncertain significance (1 of 4 stars; one submission).

Conditions:
Cardiovascular phenotype. Identifiers: MedGen CN230736.

Submission:

Ambry Genetics
Classification: Uncertain significance for Cardiovascular phenotype. Last evaluated: 2026-02-19. Review status: criteria provided, single submitter. Criteria: Ambry Variant Classification Scheme 2023. Collection method: clinical testing. Allele origin: germline.
Comment: The p.G585R variant (also known as c.1753G>A), located in coding exon 1 of the ZNF469 gene, results from a G to A substitution at nucleotide position 1753. The glycine at codon 585 is replaced by arginine, an amino acid with dissimilar properties. This amino acid position is conserved. In addition, this alteration is predicted to be tolerated by in silico analysis. Based on the available evidence, the clinical significance of this variant remains unclear.